The following is an entry in ClinVar:

ClinVar aggregate classification (germline): Likely benign (1 of 4 stars; one submission).

gnomAD v4.1: 1,197 of 1,614,090 alleles (0.074%); highest among the groups gnomAD compares: East Asian, 1.2%; 12 homozygotes.

Submission:

CeGaT Center for Human Genetics Tuebingen
Classification: Likely benign. Last evaluated: 2026-09-01. Review status: criteria provided, single submitter. Criteria: CeGaT Center For Human Genetics Tuebingen Variant Classification Criteria Version 2. Collection method: clinical testing. Allele origin: germline. Affected: yes. Observed: 1 variant allele.
Comment: SMARCD1: BP4, BP7, BS1

NM_003076.5(SMARCD1):c.996C>T (p.His332=)

Gene: SMARCD1 (SWI/SNF related BAF chromatin remodeling complex subunit D1; plus strand). Cytogenetic location: 12q13.12.
Variant type: single nucleotide variant.
Coding change: c.996C>T on transcript NM_003076.5 (MANE Select); coding-DNA position 996, C replaced by T.
Protein change: p.His332=; no amino-acid change (histidine 332 retained).
Molecular consequence: synonymous variant.
Genome position (GRCh38, 1-based): chr12:50,090,363, C>T. VCF-style: chr12-50090363-C-T. GRCh37 (hg19) VCF-style: chr12-50484146-C-T.
Other names: c.996C>T, p.His332= (NM_139071.3).
Identifiers: ClinVar variation 5040910 (VCV005040910.1).